The following is an entry in ClinVar:

ClinVar aggregate classification (germline): Uncertain significance (1 of 4 stars; one submission).

Conditions:
Charcot-Marie-Tooth disease dominant intermediate B (CMTDIB). Also called: Charcot-Marie-Tooth disease dominant intermediate 1; CMT DI1; Charcot-Marie-Tooth disease dominant intermediate I; CHARCOT-MARIE-TOOTH NEUROPATHY, DOMINANT INTERMEDIATE B. Identifiers: Orphanet 100044, Orphanet 228179, MedGen C1847902, MONDO:0011674, OMIM 606482.

Submission:

Labcorp Genetics (formerly Invitae), Labcorp
Classification: Uncertain significance for Charcot-Marie-Tooth disease dominant intermediate B. Last evaluated: 2022-09-13. Review status: criteria provided, single submitter. Criteria: Invitae Variant Classification Sherloc (09022015). Collection method: clinical testing. Allele origin: germline.
Comment: In summary, the available evidence is currently insufficient to determine the role of this variant in disease. Therefore, it has been classified as a Variant of Uncertain Significance. Variants that disrupt the consensus splice site are a relatively common cause of aberrant splicing (PMID: 17576681, 9536098). Algorithms developed to predict the effect of sequence changes on RNA splicing suggest that this variant may create or strengthen a splice site. ClinVar contains an entry for this variant (Variation ID: 1470599). This variant has not been reported in the literature in individuals affected with DNM2-related conditions. This variant is not present in population databases (gnomAD no frequency). This sequence change falls in intron 10 of the DNM2 gene. It does not directly change the encoded amino acid sequence of the DNM2 protein. It affects a nucleotide within the consensus splice site.

Literature cited by the submitters: PubMed 17576681; PubMed 9536098.

NM_001005361.3(DNM2):c.1336-3C>A

Gene: DNM2 (dynamin 2; plus strand). Cytogenetic location: 19p13.2.
Variant type: single nucleotide variant.
Coding change: c.1336-3C>A on transcript NM_001005361.3 (MANE Select); 3 bases into the intron before coding-DNA position 1336, C replaced by A.
Molecular consequence: intron variant.
Genome position (GRCh38, 1-based): chr19:10,798,483, C>A. VCF-style: chr19-10798483-C-A. GRCh37 (hg19) VCF-style: chr19-10909159-C-A.
Other names: c.1336-3C>A (NM_001005360.3, NM_001190716.2, NM_004945.4 and 1 more transcripts).
Identifiers: ClinVar variation 1470599 (VCV001470599.6), dbSNP rs2146038756, ClinGen allele CA2573155552.